The following is an entry in ClinVar:

ClinVar aggregate classification (germline): Uncertain significance (1 of 4 stars; one submission).

Submission:

Quest Diagnostics Nichols Institute San Juan Capistrano
Classification: Uncertain significance. Last evaluated: 2023-07-21. Review status: criteria provided, single submitter. Criteria: Quest Diagnostics criteria. Collection method: clinical testing. Allele origin: unknown.
Comment: To the best of our knowledge, this variant has not been reported in the published literature. It also has not been reported in large, multi-ethnic general populations (Genome Aggregation Database). Analysis of this variant using software algorithms for the prediction of the effect of nucleotide changes on BLM mRNA splicing yielded inconclusive findings . Based on the available information, we are unable to determine the clinical significance of this variant.

NM_000057.4(BLM):c.1088-3T>G

Gene: BLM (BLM RecQ like helicase; plus strand). Cytogenetic location: 15q26.1.
Variant type: single nucleotide variant.
Coding change: c.1088-3T>G on transcript NM_000057.4 (MANE Select); 3 bases into the intron before coding-DNA position 1088, T replaced by G.
Molecular consequence: intron variant. On other transcripts: 5 prime UTR variant (1).
Genome position (GRCh38, 1-based): chr15:90,760,144, T>G. VCF-style: chr15-90760144-T-G. GRCh37 (hg19) VCF-style: chr15-91303374-T-G.
Other names: c.-41T>G (NM_001287248.2); c.1088-3T>G (NM_001287246.2, NM_001287247.2).
Identifiers: ClinVar variation 2682145 (VCV002682145.1), dbSNP rs2151157095, ClinGen allele CA2697549330.